The following is an entry in ClinVar:

NM_000238.4(KCNH2):c.917-8C>G

Gene: KCNH2 (potassium voltage-gated channel subfamily H member 2; minus strand). Cytogenetic location: 7q36.1.
Variant type: single nucleotide variant.
Coding change: c.917-8C>G on transcript NM_000238.4 (MANE Select); 8 bases into the intron before coding-DNA position 917, C replaced by G.
Molecular consequence: intron variant.
Genome position (GRCh38, 1-based): chr7:150,957,510, G>C on the plus strand (C>G on the coding strand, the complement: KCNH2 is on the minus strand). VCF-style: chr7-150957510-G-C. GRCh37 (hg19) VCF-style: chr7-150654598-G-C.
Other names: c.629-8C>G (NM_001406753.1, NM_001406756.1); c.917-8C>G (NM_172056.3); c.740-8C>G (NM_001406755.1); c.617-8C>G (NM_001406757.1).
Identifiers: ClinVar variation 1576119 (VCV001576119.11), dbSNP rs41313086, ClinGen allele CA169080948.

ClinVar aggregate classification (germline): Conflicting classifications of pathogenicity. Review status: criteria provided, conflicting classifications (1 of 4 stars). 3 submissions from 3 submitters: Uncertain significance (2); Likely benign (1). Last evaluated 2024-06-22.

Conditions:
Long QT syndrome (LQTS). Identifiers: MedGen C0023976, MeSH D008133, MONDO:0002442. Disease mechanism: loss of function. Inheritance: Various modes of inheritance.
Cardiac arrhythmia. Also called: Cardiac rhythm disease; Arrhythmia. Identifiers: MedGen C0003811, MONDO:0007263, HP:0011675.

Allele frequency attached by ClinVar (database versions not stated): gnomAD 0.00001 and 0.00002; TOPMed 0.00001.
gnomAD v4.1: 2 of 1,598,592 alleles (0.00013%); highest among the groups gnomAD compares: Non-Finnish European, 0.00017%; no homozygotes.

Submissions (3):

Labcorp Genetics (formerly Invitae), Labcorp
Classification: Likely benign for Long QT syndrome. Last evaluated: 2024-06-22. Review status: criteria provided, single submitter. Criteria: Invitae Variant Classification Sherloc (09022015). Collection method: clinical testing. Allele origin: germline.

All of Us Research Program, National Institutes of Health
Classification: Uncertain significance for Long QT syndrome. Last evaluated: 2023-10-02. Review status: criteria provided, single submitter. Criteria: ACMG Guidelines, 2015. Collection method: clinical testing. Allele origin: germline. Inheritance: Autosomal dominant inheritance. Observed: 1 variant allele, 1 heterozygote.
Comment: This variant causes a C to G nucleotide substitution at the -8 position of intron 4 of the KCNH2 gene. To our knowledge, functional studies have not been reported for this variant. This variant has not been reported in individuals affected with KCNH2-related disorders in the literature. This variant has not been identified in the general population by the Genome Aggregation Database (gnomAD). The available evidence is insufficient to determine the role of this variant in disease conclusively. Therefore, this variant is classified as a Variant of Uncertain Significance.

This study involves interpretation of variants in research participants for the purpose of population health screening. Participant phenotype was not available at the time of variant classification. Additional details can be found in publication PMID: 35346344, PMCID: PMC8962531

Color Diagnostics, LLC DBA Color Health
Classification: Uncertain significance for Cardiac arrhythmia. Last evaluated: 2023-09-11. Review status: criteria provided, single submitter. Criteria: ACMG Guidelines, 2015. Collection method: clinical testing. Allele origin: germline.
Comment: This variant causes a C to G nucleotide substitution at the -8 position of intron 4 of the KCNH2 gene. To our knowledge, functional studies have not been reported for this variant. This variant has not been reported in individuals affected with KCNH2-related disorders in the literature. This variant has not been identified in the general population by the Genome Aggregation Database (gnomAD). The available evidence is insufficient to determine the role of this variant in disease conclusively. Therefore, this variant is classified as a Variant of Uncertain Significance.